The following is an entry in ClinVar:

NM_025207.5(FLAD1):c.917G>A (p.Arg306His)

Gene: FLAD1 (flavin adenine dinucleotide synthetase 1; plus strand). Cytogenetic location: 1q21.3.
Variant type: single nucleotide variant.
Coding change: c.917G>A on transcript NM_025207.5 (MANE Select); coding-DNA position 917, G replaced by A.
Protein change: p.Arg306His; replaces arginine 306 with histidine.
Molecular consequence: missense variant.
Genome position (GRCh38, 1-based): chr1:154,988,649, G>A. VCF-style: chr1-154988649-G-A. GRCh37 (hg19) VCF-style: chr1-154961125-G-A.
Other names: p.Arg306His; c.626G>A, p.Arg209His (NM_001184891.2, NM_201398.3); c.620G>A, p.Arg207His (NM_001184892.2); short protein forms R207H, R209H, R306H.
Identifiers: ClinVar variation 1311719 (VCV001311719.6), dbSNP rs200154742, ClinGen allele CA1134429.
Genomic context (GRCh38, chr1:154,988,649, plus strand): 5'-TGGCTGCTGATGAAGCCTCCATCGCCCCCATTCTGGCTGAGGCCCAGGCCCACTTTGGAC[G>A]TAGGCTTGGCCTGGGTTCCTACCCTGACTGGGGCAGCAACTACTATCAGGTGAAGCTGAC-3'
Protein context (NP_079483.3, residues 296-316): ILAEAQAHFG[Arg306His]RLGLGSYPDW

ClinVar aggregate classification (germline): Uncertain significance. Review status: criteria provided, multiple submitters, no conflicts (2 of 4 stars). 3 submissions from 3 submitters: Uncertain significance (3). Last evaluated 2026-01-15.

Allele frequency attached by ClinVar (database versions not stated): gnomAD 0.00006 and 0.00009; ExAC 0.00007; gnomAD exomes 0.00007 and 0.00008; 1000 Genomes Project 30x 0.00047; 1000 Genomes Project 0.00060.

Submissions (3):

Labcorp Genetics (formerly Invitae), Labcorp
Classification: Uncertain significance. Last evaluated: 2026-01-15. Review status: criteria provided, single submitter. Criteria: Invitae Variant Classification Sherloc (09022015). Collection method: clinical testing. Allele origin: germline.
Comment: This sequence change replaces arginine, which is basic and polar, with histidine, which is basic and polar, at codon 306 of the FLAD1 protein (p.Arg306His). This variant is present in population databases (rs200154742, gnomAD 0.04%). This variant has not been reported in the literature in individuals affected with FLAD1-related conditions. ClinVar contains an entry for this variant (Variation ID: 1311719). An algorithm developed to predict the effect of missense changes on protein structure and function outputs the following: PolyPhen-2: "Benign". The histidine amino acid residue is found in multiple mammalian species, which suggests that this missense change does not adversely affect protein function. In summary, the available evidence is currently insufficient to determine the role of this variant in disease. Therefore, it has been classified as a Variant of Uncertain Significance.

Mayo Clinic Laboratories, Mayo Clinic
Classification: Uncertain significance. Last evaluated: 2025-06-01. Review status: criteria provided, single submitter. Criteria: ACMG Guidelines, 2015. Collection method: clinical testing. Allele origin: germline. Observed: 1 variant allele.
Comment: BP4_moderate

GeneDx
Classification: Uncertain significance. Last evaluated: 2020-01-11. Review status: criteria provided, single submitter. Criteria: GeneDx Variant Classification Process June 2021. Collection method: clinical testing. Allele origin: germline. Affected: yes.
Comment: In silico analysis, which includes protein predictors and evolutionary conservation, supports that this variant does not alter protein structure/function; Has not been previously published as pathogenic or benign to our knowledge